The following is an entry in ClinVar:

ClinVar aggregate classification (germline): Pathogenic. Review status: criteria provided, multiple submitters, no conflicts (2 of 4 stars). 2 submissions from 2 submitters: Pathogenic (2). Last evaluated 2025-10-11.

Conditions:
Bethlem myopathy 1A. Also called: MYOPATHY, BENIGN CONGENITAL, WITH CONTRACTURES; Bethlem myopathy 1; Bethlem Muscular Dystrophy. Identifiers: Orphanet 610, MedGen CN029274, MONDO:0024530, OMIM 158810.
Ullrich congenital muscular dystrophy 1A. Also called: Ullrich congenital muscular dystrophy 1; Intermediate COL6-RD. Identifiers: Orphanet 75840, MedGen C0410179, MONDO:0009681, OMIM 254090.

Allele frequency attached by ClinVar (database versions not stated): gnomAD exomes below 0.00001; ExAC 0.00001.
gnomAD v4.1: 2 of 1,613,848 alleles (0.00012%); highest among the groups gnomAD compares: Non-Finnish European, 0.00017%; no homozygotes.

Submissions (2):

Labcorp Genetics (formerly Invitae), Labcorp
Classification: Pathogenic for Bethlem myopathy 1A. Last evaluated: 2025-10-11. Review status: criteria provided, single submitter. Criteria: Invitae Variant Classification Sherloc (09022015). Collection method: clinical testing. Allele origin: germline.
Comment: This sequence change creates a premature translational stop signal (p.Arg2154*) in the COL6A3 gene. It is expected to result in an absent or disrupted protein product. Loss-of-function variants in COL6A3 are known to be pathogenic (PMID: 26004199). This variant is present in population databases (rs762768377, gnomAD 0.002%). This premature translational stop signal has been observed in individual(s) with autosomal recessive Bethlem myopathy (PMID: 39367186). ClinVar contains an entry for this variant (Variation ID: 2441705). For these reasons, this variant has been classified as Pathogenic.

Baylor Genetics
Classification: Pathogenic for Ullrich congenital muscular dystrophy 1A. Last evaluated: 2022-08-18. Review status: criteria provided, single submitter. Criteria: ACMG Guidelines, 2015. Collection method: clinical testing. Allele origin: unknown.

Literature cited by the submitters: PubMed 26004199 (cited by Labcorp Genetics (formerly Invitae), Labcorp); PubMed 39367186 (cited by Labcorp Genetics (formerly Invitae), Labcorp).

NM_004369.4(COL6A3):c.6460C>T (p.Arg2154Ter)

Gene: COL6A3 (collagen type VI alpha 3 chain; minus strand). Cytogenetic location: 2q37.3.
Variant type: single nucleotide variant.
Coding change: c.6460C>T on transcript NM_004369.4 (MANE Select); coding-DNA position 6460, C replaced by T.
Protein change: p.Arg2154Ter; replaces arginine 2154 with a stop codon.
Molecular consequence: nonsense.
Genome position (GRCh38, 1-based): chr2:237,358,532, G>A on the plus strand (C>T on the coding strand, the complement: COL6A3 is on the minus strand). VCF-style: chr2-237358532-G-A. GRCh37 (hg19) VCF-style: chr2-238267175-G-A.
Other names: c.4639C>T, p.Arg1547Ter (NM_057166.5); c.5842C>T, p.Arg1948Ter (NM_057167.4); short protein forms R1547*, R1948*, R2154*.
Identifiers: ClinVar variation 2441705 (VCV002441705.2), dbSNP rs762768377, ClinGen allele CA2188285.